The following is an entry in ClinVar:

NM_000214.3(JAG1):c.1489_1490dup (p.Leu497fs)

Gene: JAG1 (jagged canonical Notch ligand 1; minus strand). Cytogenetic location: 20p12.2.
Variant type: Duplication.
Coding change: c.1489_1490dup on transcript NM_000214.3 (MANE Select); coding-DNA positions 1489 to 1490, 2 bases duplicated (TT; older notation c.1489_1490dupTT).
Protein change: p.Leu497fs; shifts the reading frame from leucine 497.
Molecular consequence: frameshift variant.
Genome position (GRCh38, 1-based): chr20:10,648,628-10,648,629, AA duplicated on the plus strand (TT on the coding strand, the reverse complement: JAG1 is on the minus strand); duplicating any 2 consecutive bases within chr20:10,648,628-10,648,630 gives the same sequence; the c. name uses the placement nearest the transcript's 3' end. VCF-style (leftmost placement, unchanged base first): chr20-10648627-C-CAA. GRCh37 (hg19) VCF-style: chr20-10629275-C-CAA.
Other names: short protein forms L497fs.
Identifiers: ClinVar variation 1457078 (VCV001457078.6), dbSNP rs2122608790, ClinGen allele CA2573156845.

ClinVar aggregate classification (germline): Pathogenic (1 of 4 stars; one submission).

Conditions:
Alagille syndrome due to a JAG1 point mutation. Also called: Alagille Syndrome 1; HEPATIC DUCTULAR HYPOPLASIA, SYNDROMATIC; JAG1-Related Alagille Syndrome. Identifiers: Orphanet 261619, Orphanet 52, MedGen C1956125, MONDO:0016862, OMIM 118450.

Submission:

Labcorp Genetics (formerly Invitae), Labcorp
Classification: Pathogenic for Alagille syndrome due to a JAG1 point mutation. Last evaluated: 2020-11-16. Review status: criteria provided, single submitter. Criteria: Invitae Variant Classification Sherloc (09022015). Collection method: clinical testing. Allele origin: germline.
Comment: For these reasons, this variant has been classified as Pathogenic. This variant has not been reported in the literature in individuals with JAG1-related conditions. This variant is not present in population databases (ExAC no frequency). This sequence change creates a premature translational stop signal (p.Leu497Phefs*2) in the JAG1 gene. It is expected to result in an absent or disrupted protein product. Loss-of-function variants in JAG1 are known to be pathogenic (PMID: 11180599).

Literature cited by the submitters: PubMed 11180599.